The following is an entry in ClinVar:

ClinVar aggregate classification (germline): Conflicting classifications of pathogenicity. Review status: criteria provided, conflicting classifications (1 of 4 stars). 3 submissions from 3 submitters: Likely pathogenic (1); Uncertain significance (1). 1 of the submissions does not count toward it. Last evaluated 2023-04-03.

Conditions:
Pheochromocytoma. Also called: MAX-Related Hereditary Paraganglioma-Pheochromocytoma Syndrome. Identifiers: Orphanet 29072, MedGen C0031511, MONDO:0008233, OMIM 171300, HP:0002666.
Cowden syndrome 3 (CWS3). Identifiers: Orphanet 201, MedGen CN166604, MONDO:0014045.
Paragangliomas with sensorineural hearing loss. Identifiers: MedGen C1868633.
Carney-Stratakis syndrome. Also called: PARAGANGLIOMA AND GASTROINTESTINAL STROMAL TUMOR. Identifiers: Orphanet 97286, MedGen C1847319, MONDO:0011740, OMIM 606864.
Hereditary pheochromocytoma and paraganglioma. Also called: Hereditary paragangliomas and pheochromocytomas; Hereditary pheochromocytoma-paraganglioma; Hereditary Paraganglioma-Pheochromocytoma Syndromes. Identifiers: Orphanet 29072, MedGen C4274332, MONDO:0017366.

Submissions (3):

All of Us Research Program, National Institutes of Health
Classification: Uncertain significance for Hereditary pheochromocytoma and paraganglioma. Last evaluated: 2023-04-03. Review status: criteria provided, single submitter. Criteria: ACMG Guidelines, 2015. Collection method: clinical testing. Allele origin: germline. Inheritance: Autosomal dominant inheritance. Observed: 1 variant allele, 1 heterozygote.
Comment: This missense variant replaces tyrosine with histidine at codon 114 of the SDHD protein. Computational prediction suggests that this variant may have deleterious impact on protein structure and function (internally defined REVEL score threshold >= 0.7, PMID: 27666373). To our knowledge, functional studies have not been reported for this variant. This variant has not been reported in individuals affected with SDHD-related disorders in the literature. This variant has not been identified in the general population by the Genome Aggregation Database (gnomAD). The available evidence is insufficient to determine the role of this variant in disease conclusively. Therefore, this variant is classified as a Variant of Uncertain Significance.

This study involves interpretation of variants in research participants for the purpose of population health screening. Participant phenotype was not available at the time of variant classification. Additional details can be found in publication PMID: 35346344, PMCID: PMC8962531

Labcorp Genetics (formerly Invitae), Labcorp
Classification: Likely pathogenic for Carney-Stratakis syndrome; Paragangliomas with sensorineural hearing loss; Pheochromocytoma; Cowden syndrome 3. Last evaluated: 2022-06-09. Review status: criteria provided, single submitter. Criteria: Invitae Variant Classification Sherloc (09022015). Collection method: clinical testing. Allele origin: germline.
Comment: This variant is not present in population databases (gnomAD no frequency). This sequence change replaces tyrosine, which is neutral and polar, with histidine, which is basic and polar, at codon 114 of the SDHD protein (p.Tyr114His). Advanced modeling of protein sequence and biophysical properties (such as structural, functional, and spatial information, amino acid conservation, physicochemical variation, residue mobility, and thermodynamic stability) performed at Invitae indicates that this missense variant is expected to disrupt SDHD protein function. In summary, the currently available evidence indicates that the variant is pathogenic, but additional data are needed to prove that conclusively. Therefore, this variant has been classified as Likely Pathogenic. This variant disrupts the p.Tyr114 amino acid residue in SDHD. Other variant(s) that disrupt this residue have been determined to be pathogenic (PMID: 11343322, 16080474, 16317055, 17563904, 22456618, 23175444). This suggests that this residue is clinically significant, and that variants that disrupt this residue are likely to be disease-causing. ClinVar contains an entry for this variant (Variation ID: 694526). This missense change has been observed in individual(s) with paraganglioma (Invitae).

Institute of Human Genetics, Cologne University
Classification: Uncertain significance for Pheochromocytoma. Review status: no assertion criteria provided. Collection method: clinical testing. Allele origin: unknown. Inheritance: Autosomal dominant inheritance. Affected: yes. Observed: 1 heterozygote. Not counted in ClinVar's aggregate classification.

Literature cited by the submitters: PubMed 11343322 (cited by Labcorp Genetics (formerly Invitae), Labcorp); PubMed 16080474 (cited by Labcorp Genetics (formerly Invitae), Labcorp); PubMed 16317055 (cited by Labcorp Genetics (formerly Invitae), Labcorp); PubMed 17563904 (cited by Labcorp Genetics (formerly Invitae), Labcorp); PubMed 22456618 (cited by Labcorp Genetics (formerly Invitae), Labcorp); PubMed 23175444 (cited by Labcorp Genetics (formerly Invitae), Labcorp).

NM_003002.4(SDHD):c.340T>C (p.Tyr114His)

Gene: SDHD (succinate dehydrogenase complex subunit D; plus strand). Cytogenetic location: 11q23.1.
Variant type: single nucleotide variant.
Coding change: c.340T>C on transcript NM_003002.4 (MANE Select); coding-DNA position 340, T replaced by C.
Protein change: p.Tyr114His; replaces tyrosine 114 with histidine.
Molecular consequence: missense variant. On other transcripts: synonymous variant (1), 3 prime UTR variant (1), non-coding transcript variant (1).
Genome position (GRCh38, 1-based): chr11:112,094,830, T>C. VCF-style: chr11-112094830-T-C. GRCh37 (hg19) VCF-style: chr11-111965554-T-C.
Other names: c.195T>C, p.Thr65= (NM_001276503.2); c.223T>C, p.Tyr75His (NM_001276504.2); c.*38T>C (NM_001276506.2); short protein forms Y114H, Y75H.
Identifiers: ClinVar variation 694526 (VCV000694526.7), dbSNP rs876659276, ClinGen allele CA382618845.